The following is an entry in ClinVar:

ClinVar aggregate classification (germline): Uncertain significance. Review status: criteria provided, multiple submitters, no conflicts (2 of 4 stars). 3 submissions from 3 submitters: Uncertain significance (3). Last evaluated 2025-08-20.

Conditions:
Juvenile polyposis syndrome (JPS). Identifiers: Orphanet 2929, MedGen C0345893, MONDO:0017380, OMIM 174900.
Hereditary cancer-predisposing syndrome. Also called: Neoplastic Syndromes, Hereditary; Hereditary Cancer Syndrome; Hereditary neoplastic syndrome; Tumor predisposition. Identifiers: Orphanet 140162, MedGen C0027672, MeSH D009386, MONDO:0015356.
Polyposis syndrome, hereditary mixed, 2. Identifiers: Orphanet 157794, MedGen C1864730, MONDO:0012405, OMIM 610069.

Submissions (3):

Ambry Genetics
Classification: Uncertain significance for Hereditary cancer-predisposing syndrome. Last evaluated: 2025-08-20. Review status: criteria provided, single submitter. Criteria: Ambry Variant Classification Scheme 2023. Collection method: clinical testing. Allele origin: germline.
Comment: The p.G12E variant (also known as c.35G>A), located in coding exon 1 of the BMPR1A gene, results from a G to A substitution at nucleotide position 35. The glycine at codon 12 is replaced by glutamic acid, an amino acid with similar properties. This amino acid position is well conserved in available vertebrate species. In addition, the in silico prediction for this alteration is inconclusive. Based on the available evidence, the clinical significance of this variant remains unclear.

Labcorp Genetics (formerly Invitae), Labcorp
Classification: Uncertain significance for Juvenile polyposis syndrome. Last evaluated: 2025-04-23. Review status: criteria provided, single submitter. Criteria: Invitae Variant Classification Sherloc (09022015). Collection method: clinical testing. Allele origin: germline.
Comment: This sequence change replaces glycine, which is neutral and non-polar, with glutamic acid, which is acidic and polar, at codon 12 of the BMPR1A protein (p.Gly12Glu). This variant is not present in population databases (gnomAD no frequency). This variant has not been reported in the literature in individuals affected with BMPR1A-related conditions. ClinVar contains an entry for this variant (Variation ID: 823974). Invitae Evidence Modeling of protein sequence and biophysical properties (such as structural, functional, and spatial information, amino acid conservation, physicochemical variation, residue mobility, and thermodynamic stability) indicates that this missense variant is not expected to disrupt BMPR1A protein function with a negative predictive value of 95%. In summary, the available evidence is currently insufficient to determine the role of this variant in disease. Therefore, it has been classified as a Variant of Uncertain Significance.

Baylor Genetics
Classification: Uncertain significance for Polyposis syndrome, hereditary mixed, 2. Last evaluated: 2023-07-25. Review status: criteria provided, single submitter. Criteria: ACMG Guidelines, 2015. Collection method: clinical testing. Allele origin: unknown.

NM_004329.3(BMPR1A):c.35G>A (p.Gly12Glu)

Gene: BMPR1A (bone morphogenetic protein receptor type 1A; plus strand). Cytogenetic location: 10q23.2.
Variant type: single nucleotide variant.
Coding change: c.35G>A on transcript NM_004329.3 (MANE Select); coding-DNA position 35, G replaced by A.
Protein change: p.Gly12Glu; replaces glycine 12 with glutamic acid.
Molecular consequence: missense variant.
Genome position (GRCh38, 1-based): chr10:86,876,053, G>A. VCF-style: chr10-86876053-G-A. GRCh37 (hg19) VCF-style: chr10-88635810-G-A.
Other names: short protein forms G12E.
Identifiers: ClinVar variation 823974 (VCV000823974.9), dbSNP rs1589757087, ClinGen allele CA377774812.
Genomic context (GRCh38, chr10:86,876,053, plus strand): 5'-TACACAGGAAACATTACAATTGAACAATGCCTCAGCTATACATTTACATCAGATTATTGG[G>A]AGCCTATTTGTTCATCATTTCTCGTGTTCAAGGTAAATCAGTGTTCATTTTAGTAATGTA-3'
Protein context (NP_004320.2, residues 2-22): PQLYIYIRLL[Gly12Glu]AYLFIISRVQ